The following is an entry in ClinVar:

NM_003640.5(ELP1):c.3493C>T (p.Leu1165Phe)

Gene: ELP1 (elongator acetyltransferase complex subunit 1; minus strand). Cytogenetic location: 9q31.3.
Variant type: single nucleotide variant.
Coding change: c.3493C>T on transcript NM_003640.5 (MANE Select); coding-DNA position 3493, C replaced by T.
Protein change: p.Leu1165Phe; replaces leucine 1165 with phenylalanine.
Molecular consequence: missense variant.
Genome position (GRCh38, 1-based): chr9:108,879,525, G>A on the plus strand (C>T on the coding strand, the complement: ELP1 is on the minus strand). VCF-style: chr9-108879525-G-A. GRCh37 (hg19) VCF-style: chr9-111641805-G-A.
Other names: c.3151C>T, p.Leu1051Phe (NM_001318360.2); c.2446C>T, p.Leu816Phe (NM_001330749.2); short protein forms L1051F, L1165F, L816F.
Identifiers: ClinVar variation 989519 (VCV000989519.6), dbSNP rs144301886, ClinGen allele CA197520390.
Genomic context (GRCh38, chr9:108,879,525, plus strand): 5'-TATGGGAGTATTTGCCACTCATCTCACTGCCACTCACGACACTGCTAGTTTCAGAGAAGA[G>A]GTCTGACTCTTGCCCGTGGGGTACCTCATCATCTAGAAAAGAAGAACCAGAAGCCGATGA-3'
Protein context (NP_003631.2, residues 1155-1175): DEVPHGQESD[Leu1165Phe]FSETSSVVSG

ClinVar aggregate classification (germline): Uncertain significance. Review status: criteria provided, single submitter (1 of 4 stars). 2 submissions from 2 submitters: Uncertain significance (1). 1 of the submissions does not count toward it. Last evaluated 2021-09-24.

Conditions:
Familial dysautonomia. Also called: FD; HSAN III. Identifiers: Orphanet 1764, MedGen C0013364, MONDO:0009131, OMIM 223900. Disease mechanism: loss of function.

Allele frequency attached by ClinVar (database versions not stated): gnomAD exomes below 0.00001; TOPMed 0.00001.

Submissions (2):

Labcorp Genetics (formerly Invitae), Labcorp
Classification: Uncertain significance. Last evaluated: 2021-09-24. Review status: criteria provided, single submitter. Criteria: Invitae Variant Classification Sherloc (09022015). Collection method: clinical testing. Allele origin: germline.
Comment: This sequence change replaces leucine with phenylalanine at codon 1165 of the ELP1 protein (p.Leu1165Phe). The leucine residue is highly conserved and there is a small physicochemical difference between leucine and phenylalanine. This variant is not present in population databases (ExAC no frequency). This variant has not been reported in the literature in individuals with ELP1-related conditions. ClinVar contains an entry for this variant (Variation ID: 989519). Algorithms developed to predict the effect of missense changes on protein structure and function output the following: SIFT: "Deleterious"; PolyPhen-2: "Benign"; Align-GVGD: "Class C0". The phenylalanine amino acid residue is found in multiple mammalian species, suggesting that this missense change does not adversely affect protein function. These predictions have not been confirmed by published functional studies and their clinical significance is uncertain. In summary, the available evidence is currently insufficient to determine the role of this variant in disease. Therefore, it has been classified as a Variant of Uncertain Significance.

Natera, Inc.
Classification: Uncertain significance for Familial dysautonomia. Last evaluated: 2020-09-07. Review status: no assertion criteria provided. Collection method: clinical testing. Allele origin: germline. Not counted in ClinVar's aggregate classification.